The following is an entry in ClinVar:

ClinVar aggregate classification (germline): Uncertain significance (1 of 4 stars; one submission).

Conditions:
Von Hippel-Lindau syndrome (VHLS). Also called: VHL syndrome; Von Hippel-Lindau; von Hippel–Lindau syndrome. Identifiers: Orphanet 892, MedGen C0019562, MONDO:0008667, OMIM 193300. Disease mechanism: loss of function.
Chuvash polycythemia. Also called: POLYCYTHEMIA, VHL-DEPENDENT. Identifiers: Orphanet 238557, MedGen C1837915, MONDO:0009892, OMIM 263400.

Submission:

Labcorp Genetics (formerly Invitae), Labcorp
Classification: Uncertain significance for Von Hippel-Lindau syndrome; Chuvash polycythemia. Last evaluated: 2025-01-20. Review status: criteria provided, single submitter. Criteria: Invitae Variant Classification Sherloc (09022015). Collection method: clinical testing. Allele origin: germline.
Comment: This sequence change replaces valine, which is neutral and non-polar, with glycine, which is neutral and non-polar, at codon 142 of the VHL protein (p.Val142Gly). This variant is not present in population databases (gnomAD no frequency). This variant has not been reported in the literature in individuals affected with VHL-related conditions. ClinVar contains an entry for this variant (Variation ID: 1899792). Invitae Evidence Modeling of protein sequence and biophysical properties (such as structural, functional, and spatial information, amino acid conservation, physicochemical variation, residue mobility, and thermodynamic stability) indicates that this missense variant is expected to disrupt VHL protein function with a positive predictive value of 80%. In summary, the available evidence is currently insufficient to determine the role of this variant in disease. Therefore, it has been classified as a Variant of Uncertain Significance.

NM_000551.4(VHL):c.425T>G (p.Val142Gly)

Genes: VHL (von Hippel-Lindau tumor suppressor; plus strand), LOC107303340 (3p25 von Hippel-Lindau tumor suppressor, E3 ubiquitin protein ligase Alu-mediated recombination region; plus strand). Cytogenetic location: 3p25.3.
Variant type: single nucleotide variant.
Coding change: c.425T>G on transcript NM_000551.4 (MANE Select); coding-DNA position 425, T replaced by G.
Protein change: p.Val142Gly; replaces valine 142 with glycine.
Molecular consequence: missense variant. On other transcripts: intron variant (2).
Genome position (GRCh38, 1-based): chr3:10,146,598, T>G. VCF-style: chr3-10146598-T-G. GRCh37 (hg19) VCF-style: chr3-10188282-T-G.
Other names: c.*18-3189T>G (NM_001354723.2); c.341-3189T>G (NM_198156.3); short protein forms V142G.
Identifiers: ClinVar variation 1899792 (VCV001899792.5), dbSNP rs1553619979, ClinGen allele CA351754160.